The following is an entry in ClinVar:

ClinVar aggregate classification (germline): Uncertain significance (1 of 4 stars; one submission).

Submission:

Labcorp Genetics (formerly Invitae), Labcorp
Classification: Uncertain significance. Last evaluated: 2025-02-10. Review status: criteria provided, single submitter. Criteria: Invitae Variant Classification Sherloc (09022015). Collection method: clinical testing. Allele origin: germline.
Comment: This sequence change replaces proline, which is neutral and non-polar, with leucine, which is neutral and non-polar, at codon 217 of the FLNB protein (p.Pro217Leu). This variant is not present in population databases (gnomAD no frequency). This variant has not been reported in the literature in individuals affected with FLNB-related conditions. ClinVar contains an entry for this variant (Variation ID: 1352565). Invitae Evidence Modeling of protein sequence and biophysical properties (such as structural, functional, and spatial information, amino acid conservation, physicochemical variation, residue mobility, and thermodynamic stability) indicates that this missense variant is not expected to disrupt FLNB protein function with a negative predictive value of 80%. In summary, the available evidence is currently insufficient to determine the role of this variant in disease. Therefore, it has been classified as a Variant of Uncertain Significance.

NM_001457.4(FLNB):c.650C>T (p.Pro217Leu)

Gene: FLNB (filamin B; plus strand). Cytogenetic location: 3p14.3.
Variant type: single nucleotide variant.
Coding change: c.650C>T on transcript NM_001457.4 (MANE Select); coding-DNA position 650, C replaced by T.
Protein change: p.Pro217Leu; replaces proline 217 with leucine.
Molecular consequence: missense variant.
Genome position (GRCh38, 1-based): chr3:58,081,639, C>T. VCF-style: chr3-58081639-C-T. GRCh37 (hg19) VCF-style: chr3-58067366-C-T.
Other names: c.650C>T, p.Pro217Leu (NM_001164317.2, NM_001164318.2, NM_001164319.2); short protein forms P217L.
Identifiers: ClinVar variation 1352565 (VCV001352565.6), dbSNP rs2106965787, ClinGen allele CA353334006.